The following is an entry in ClinVar:

ClinVar aggregate classification (germline): Conflicting classifications of pathogenicity. Review status: criteria provided, conflicting classifications (1 of 4 stars). 5 submissions from 5 submitters: Uncertain significance (1); Likely benign (3). 1 of the submissions does not count toward it. Last evaluated 2025-12-18.

Conditions:
Neuropathy, hereditary sensory and autonomic, type 2A (HSAN2A). Also called: WNK1-Related HSAN2 (HSAN2A); MORVAN DISEASE; NEUROPATHY, CONGENITAL SENSORY; NEUROPATHY, HEREDITARY SENSORY RADICULAR, AUTOSOMAL RECESSIVE; NEUROPATHY, HEREDITARY SENSORY, TYPE IIA; NEUROPATHY, PROGRESSIVE SENSORY, OF CHILDREN. Identifiers: Orphanet 970, MedGen C2752089, MONDO:0024309, OMIM 201300.
Pseudohypoaldosteronism type 2C (PHA2C). Also called: Pseudohypoaldosteronism Type IIC. Identifiers: Orphanet 757, Orphanet 88940, MedGen C1840391, MONDO:0013778, OMIM 614492.
WNK1-related disorder. Also called: WNK1-related condition.
Inborn genetic diseases. Identifiers: MedGen C0950123, MeSH D030342.

Allele frequency attached by ClinVar (database versions not stated): gnomAD exomes 0.00006 and 0.00019; ExAC 0.00026; ESP Exome Variant Server 0.00077; 1000 Genomes Project 30x 0.00078; 1000 Genomes Project 0.00080; gnomAD 0.00091 and 0.00097; TOPMed 0.00093.

Submissions (5):

Labcorp Genetics (formerly Invitae), Labcorp
Classification: Likely benign for Neuropathy, hereditary sensory and autonomic, type 2A; Pseudohypoaldosteronism type 2C. Last evaluated: 2025-12-18. Review status: criteria provided, single submitter. Criteria: Invitae Variant Classification Sherloc (09022015). Collection method: clinical testing. Allele origin: germline.

GeneDx
Classification: Uncertain significance. Last evaluated: 2021-08-16. Review status: criteria provided, single submitter. Criteria: GeneDx Variant Classification Process June 2021. Collection method: clinical testing. Allele origin: germline. Affected: yes.
Comment: In silico analysis supports that this missense variant does not alter protein structure/function; Has not been previously published as pathogenic or benign to our knowledge; This variant is associated with the following publications: (PMID: 27535533)

Ambry Genetics
Classification: Likely benign for Inborn genetic diseases. Last evaluated: 2019-09-27. Review status: criteria provided, single submitter. Criteria: Ambry Variant Classification Scheme 2023. Collection method: clinical testing. Allele origin: germline.

Breakthrough Genomics
Classification: Likely benign. Review status: criteria provided, single submitter. Criteria: ACMG Guidelines, 2015. Collection method: not provided. Allele origin: germline. Inheritance: Autosomal recessive inheritance. Affected: yes.

PreventionGenetics, part of Exact Sciences
Classification: Likely benign for WNK1-related condition. Last evaluated: 2023-03-23. Review status: no assertion criteria provided. Collection method: clinical testing. Allele origin: germline. Not counted in ClinVar's aggregate classification.
Comment: This variant is classified as likely benign based on ACMG/AMP sequence variant interpretation guidelines (Richards et al. 2015 PMID: 25741868, with internal and published modifications).

NM_018979.4(WNK1):c.5638G>A (p.Ala1880Thr)

Gene: WNK1 (WNK lysine deficient protein kinase 1; plus strand). Cytogenetic location: 12p13.33.
Variant type: single nucleotide variant.
Coding change: c.5638G>A on transcript NM_018979.4 (MANE Select); coding-DNA position 5638, G replaced by A.
Protein change: p.Ala1880Thr; replaces alanine 1880 with threonine.
Molecular consequence: missense variant.
Genome position (GRCh38, 1-based): chr12:896,125, G>A. VCF-style: chr12-896125-G-A. GRCh37 (hg19) VCF-style: chr12-1005291-G-A.
Other names: c.6418G>A, p.Ala2140Thr (NM_001184985.2); c.4894G>A, p.Ala1632Thr (NM_014823.3); c.6394G>A, p.Ala2132Thr (NM_213655.5); short protein forms A2132T, A1880T, A2140T, A1632T.
Identifiers: ClinVar variation 705291 (VCV000705291.17), dbSNP rs72650763, ClinGen allele CA6383260.